The following is an entry in ClinVar:

NM_000257.4(MYH7):c.1496A>T (p.Glu499Val)

Gene: MYH7 (myosin heavy chain 7; minus strand). Cytogenetic location: 14q11.2.
Variant type: single nucleotide variant.
Coding change: c.1496A>T on transcript NM_000257.4 (MANE Select); coding-DNA position 1496, A replaced by T.
Protein change: p.Glu499Val; replaces glutamic acid 499 with valine.
Molecular consequence: missense variant.
Genome position (GRCh38, 1-based): chr14:23,428,582, T>A on the plus strand (A>T on the coding strand, the complement: MYH7 is on the minus strand). VCF-style: chr14-23428582-T-A. GRCh37 (hg19) VCF-style: chr14-23897791-T-A.
Other names: short protein forms E499V.
Identifiers: ClinVar variation 961372 (VCV000961372.9), dbSNP rs727504270, ClinGen allele CA389050467.

ClinVar aggregate classification (germline): Uncertain significance (1 of 4 stars; one submission).

Conditions:
Hypertrophic cardiomyopathy. Also called: HYPERTROPHIC MYOCARDIOPATHY. Identifiers: Orphanet 217569, MedGen C0007194, MeSH D002312, MONDO:0005045, HP:0001639.

Submission:

Labcorp Genetics (formerly Invitae), Labcorp
Classification: Uncertain significance for Hypertrophic cardiomyopathy. Last evaluated: 2019-10-04. Review status: criteria provided, single submitter. Criteria: Invitae Variant Classification Sherloc (09022015). Collection method: clinical testing. Allele origin: germline.
Comment: This variant is found within a region of MYH7 between codons 181 and 937 that contains the majority of the myosin head domain. Missense variants in this region have been shown to be significantly overrepresented in individuals with hypertrophic cardiomyopathy (PMID: 27532257). This sequence change replaces glutamic acid with valine at codon 499 of the MYH7 protein (p.Glu499Val). The glutamic acid residue is highly conserved and there is a moderate physicochemical difference between glutamic acid and valine. In summary, the available evidence is currently insufficient to determine the role of this variant in disease. Therefore, it has been classified as a Variant of Uncertain Significance. Algorithms developed to predict the effect of sequence changes on RNA splicing suggest that this variant may create or strengthen a splice site, but this prediction has not been confirmed by published transcriptional studies. Algorithms developed to predict the effect of missense changes on protein structure and function are either unavailable or do not agree on the potential impact of this missense change (SIFT: "Deleterious"; PolyPhen-2: "Benign"; Align-GVGD: "Class C65"). This variant is not present in population databases (ExAC no frequency).

Literature cited by the submitters: PubMed 27532257.